The following is an entry in ClinVar:

NM_020297.4(ABCC9):c.2033A>T (p.Tyr678Phe)

Gene: ABCC9 (ATP binding cassette subfamily C member 9; minus strand). Cytogenetic location: 12p12.1.
Variant type: single nucleotide variant.
Coding change: c.2033A>T on transcript NM_020297.4 (MANE Select); coding-DNA position 2033, A replaced by T.
Protein change: p.Tyr678Phe; replaces tyrosine 678 with phenylalanine.
Molecular consequence: missense variant.
Genome position (GRCh38, 1-based): chr12:21,875,713, T>A on the plus strand (A>T on the coding strand, the complement: ABCC9 is on the minus strand). VCF-style: chr12-21875713-T-A. GRCh37 (hg19) VCF-style: chr12-22028647-T-A.
Other names: c.2033A>T, p.Tyr678Phe (NM_001377273.1, NM_005691.4); c.1169A>T, p.Tyr390Phe (NM_001377274.1); short protein forms Y390F, Y678F.
Identifiers: ClinVar variation 1784785 (VCV001784785.5), dbSNP rs1437551187, ClinGen allele CA384134437.

ClinVar aggregate classification (germline): Uncertain significance. Review status: criteria provided, multiple submitters, no conflicts (2 of 4 stars). 2 submissions from 2 submitters: Uncertain significance (2). Last evaluated 2025-05-18.

Conditions:
Cardiovascular phenotype. Identifiers: MedGen CN230736.
Dilated cardiomyopathy 1O (CMD1O). Also called: CARDIOMYOPATHY, DILATED, WITH VENTRICULAR TACHYCARDIA. Identifiers: Orphanet 154, MedGen C1837839, MONDO:0012062, OMIM 608569.

Submissions (2):

Labcorp Genetics (formerly Invitae), Labcorp
Classification: Uncertain significance for Dilated cardiomyopathy 1O. Last evaluated: 2025-05-18. Review status: criteria provided, single submitter. Criteria: Invitae Variant Classification Sherloc (09022015). Collection method: clinical testing. Allele origin: germline.
Comment: This sequence change replaces tyrosine, which is neutral and polar, with phenylalanine, which is neutral and non-polar, at codon 678 of the ABCC9 protein (p.Tyr678Phe). This variant is not present in population databases (gnomAD no frequency). This variant has not been reported in the literature in individuals affected with ABCC9-related conditions. ClinVar contains an entry for this variant (Variation ID: 1784785). Invitae Evidence Modeling of protein sequence and biophysical properties (such as structural, functional, and spatial information, amino acid conservation, physicochemical variation, residue mobility, and thermodynamic stability) indicates that this missense variant is not expected to disrupt ABCC9 protein function with a negative predictive value of 80%. In summary, the available evidence is currently insufficient to determine the role of this variant in disease. Therefore, it has been classified as a Variant of Uncertain Significance.

Ambry Genetics
Classification: Uncertain significance for Cardiovascular phenotype. Last evaluated: 2021-05-04. Review status: criteria provided, single submitter. Criteria: Ambry Variant Classification Scheme 2023. Collection method: clinical testing. Allele origin: germline.
Comment: The p.Y678F variant (also known as c.2033A>T), located in coding exon 15 of the ABCC9 gene, results from an A to T substitution at nucleotide position 2033. The tyrosine at codon 678 is replaced by phenylalanine, an amino acid with highly similar properties. This amino acid position is not well conserved in available vertebrate species, and phenylalanine is the reference amino acid in other vertebrate species. In addition, this alteration is predicted to be tolerated by in silico analysis. Since supporting evidence is limited at this time, the clinical significance of this alteration remains unclear.